The following is an entry in ClinVar:

NM_003809.3(TNFSF12):c.208-3T>C

Genes: TNFSF12 (TNF superfamily member 12; plus strand), TNFSF12-TNFSF13 (TNFSF12-TNFSF13 readthrough; plus strand). Cytogenetic location: 17p13.1.
Variant type: single nucleotide variant.
Coding change: c.208-3T>C on transcript NM_003809.3 (MANE Select); 3 bases into the intron before coding-DNA position 208, T replaced by C.
Molecular consequence: intron variant.
Genome position (GRCh38, 1-based): chr17:7,550,117, T>C. VCF-style: chr17-7550117-T-C. GRCh37 (hg19) VCF-style: chr17-7453434-T-C.
Other names: c.208-3T>C (NM_172089.4).
Identifiers: ClinVar variation 2888154 (VCV002888154.3), dbSNP rs2070983793, ClinGen allele CA2245880557.

ClinVar aggregate classification (germline): Uncertain significance (1 of 4 stars; one submission).

Conditions:
Common variable immunodeficiency (CVID). Also called: Common variable hypogamma-globulinemia; Common variable agammaglobulinemia. Identifiers: Orphanet 1572, MedGen C0009447, MONDO:0015517.

Allele frequency attached by ClinVar (database versions not stated): gnomAD exomes below 0.00001.

Submission:

Labcorp Genetics (formerly Invitae), Labcorp
Classification: Uncertain significance for Common variable immunodeficiency. Last evaluated: 2023-09-22. Review status: criteria provided, single submitter. Criteria: Invitae Variant Classification Sherloc (09022015). Collection method: clinical testing. Allele origin: germline.
Comment: This sequence change falls in intron 2 of the TNFSF12 gene. It does not directly change the encoded amino acid sequence of the TNFSF12 protein. It affects a nucleotide within the consensus splice site. This variant is not present in population databases (gnomAD no frequency). In summary, the available evidence is currently insufficient to determine the role of this variant in disease. Therefore, it has been classified as a Variant of Uncertain Significance. Variants that disrupt the consensus splice site are a relatively common cause of aberrant splicing (PMID: 17576681, 9536098). Algorithms developed to predict the effect of sequence changes on RNA splicing suggest that this variant is not likely to affect RNA splicing. This variant has not been reported in the literature in individuals affected with TNFSF12-related conditions.

Literature cited by the submitters: PubMed 17576681; PubMed 9536098.